The following is an entry in ClinVar:

ClinVar aggregate classification (germline): Uncertain significance (1 of 4 stars; one submission).

Submission:

Labcorp Genetics (formerly Invitae), Labcorp
Classification: Uncertain significance. Last evaluated: 2022-07-08. Review status: criteria provided, single submitter. Criteria: Invitae Variant Classification Sherloc (09022015). Collection method: clinical testing. Allele origin: germline.
Comment: This sequence change replaces glutamic acid, which is acidic and polar, with glutamine, which is neutral and polar, at codon 232 of the TBCK protein (p.Glu232Gln). This variant is not present in population databases (gnomAD no frequency). This variant has not been reported in the literature in individuals affected with TBCK-related conditions. Algorithms developed to predict the effect of missense changes on protein structure and function are either unavailable or do not agree on the potential impact of this missense change (SIFT: "Deleterious"; PolyPhen-2: "Possibly Damaging"; Align-GVGD: "Class C0"). In summary, the available evidence is currently insufficient to determine the role of this variant in disease. Therefore, it has been classified as a Variant of Uncertain Significance.

NM_001163435.3(TBCK):c.694G>C (p.Glu232Gln)

Gene: TBCK (TBC1 domain containing kinase; minus strand). Cytogenetic location: 4q24.
Variant type: single nucleotide variant.
Coding change: c.694G>C on transcript NM_001163435.3 (MANE Select); coding-DNA position 694, G replaced by C.
Protein change: p.Glu232Gln; replaces glutamic acid 232 with glutamine.
Molecular consequence: missense variant.
Genome position (GRCh38, 1-based): chr4:106,248,947, C>G on the plus strand (G>C on the coding strand, the complement: TBCK is on the minus strand). VCF-style: chr4-106248947-C-G. GRCh37 (hg19) VCF-style: chr4-107170104-C-G.
Other names: c.694G>C, p.Glu232Gln (NM_001163436.4); c.577G>C, p.Glu193Gln (NM_001163437.3); c.178G>C, p.Glu60Gln (NM_001290768.2); c.505G>C, p.Glu169Gln (NM_033115.5); short protein forms E232Q, E60Q, E169Q, E193Q.
Identifiers: ClinVar variation 2015008 (VCV002015008.4), dbSNP rs762878213, ClinGen allele CA102844949.